The following is an entry in ClinVar:

ClinVar aggregate classification (germline): Uncertain significance (0 of 4 stars; one submission).

Conditions:
DLG3-related disorder. Also called: DLG3-related condition.

Submission:

PreventionGenetics, part of Exact Sciences
Classification: Uncertain significance for DLG3-related condition. Last evaluated: 2024-07-03. Review status: no assertion criteria provided. Collection method: clinical testing. Allele origin: germline.
Comment: The DLG3 c.1931T>C variant is predicted to result in the amino acid substitution p.Leu644Pro. To our knowledge, this variant has not been reported in the literature or in a large population database, indicating this variant is rare. At this time, the clinical significance of this variant is uncertain due to the absence of conclusive functional and genetic evidence.

NM_021120.4(DLG3):c.1931T>C (p.Leu644Pro)

Gene: DLG3 (discs large MAGUK scaffold protein 3; plus strand). Cytogenetic location: Xq13.1.
Variant type: single nucleotide variant.
Coding change: c.1931T>C on transcript NM_021120.4 (MANE Select); coding-DNA position 1931, T replaced by C.
Protein change: p.Leu644Pro; replaces leucine 644 with proline.
Molecular consequence: missense variant.
Genome position (GRCh38, 1-based): chrX:70,499,236, T>C. VCF-style: chrX-70499236-T-C. GRCh37 (hg19) VCF-style: chrX-69719086-T-C.
Other names: c.578T>C, p.Leu193Pro (NM_001166278.2); c.1016T>C, p.Leu339Pro (NM_020730.3); short protein forms L193P, L339P, L644P.
Identifiers: ClinVar variation 3346630 (VCV003346630.1).